The following is an entry in ClinVar:

ClinVar aggregate classification (germline): Conflicting classifications of pathogenicity. Review status: criteria provided, conflicting classifications (1 of 4 stars). 3 submissions from 3 submitters: Uncertain significance (1); Likely benign (2). Last evaluated 2025-12-14.

Conditions:
Inborn genetic diseases. Identifiers: MedGen C0950123, MeSH D030342.
NR0B1-related disorder.
Congenital adrenal hypoplasia, X-linked (AHC). Also called: Isolated X-Linked Adrenal Hypoplasia Congenita; ADRENAL HYPOPLASIA, CONGENITAL, WITH HYPOGONADOTROPIC HYPOGONADISM; X-linked AHC; X-Linked Adrenal Hypoplasia Congenita. Identifiers: Orphanet 95702, MedGen C0342482, MONDO:0010264, OMIM 300200. Disease mechanism: loss of function.
46,XY sex reversal 2. Also called: NR0B1-Related 46,XY CGD; NR0B1-related 46,XY complete gonadal dysgenesis; Dosage-sensitive sex reversal; 46XY sex reversal 2, dosage-sensitive; 46,XY SEX REVERSAL, DAX1-RELATED. Identifiers: MedGen C1848296, MONDO:0010226, OMIM 300018.

Allele frequency attached by ClinVar (database versions not stated): ExAC 0.00001; gnomAD exomes 0.00005; gnomAD 0.00002; TOPMed 0.00004.
gnomAD v4.1: 58 of 1,207,382 alleles (0.0048%); highest among the groups gnomAD compares: Non-Finnish European, 0.0063%; no homozygotes.

Submissions (3):

Labcorp Genetics (formerly Invitae), Labcorp
Classification: Likely benign for Congenital adrenal hypoplasia, X-linked; 46,XY sex reversal 2. Last evaluated: 2025-12-14. Review status: criteria provided, single submitter. Criteria: Invitae Variant Classification Sherloc (09022015). Collection method: clinical testing. Allele origin: germline.

Ambry Genetics
Classification: Uncertain significance for Inborn genetic diseases. Last evaluated: 2025-08-31. Review status: criteria provided, single submitter. Criteria: Ambry Variant Classification Scheme 2023. Collection method: clinical testing. Allele origin: germline.

PreventionGenetics, part of Exact Sciences
Classification: Likely benign for NR0B1-related condition. Last evaluated: 2025-03-14. Review status: criteria provided, single submitter. Criteria: ACMG Guidelines, 2015. Collection method: clinical testing. Allele origin: germline.
Comment: This variant is classified as likely benign based on ACMG/AMP sequence variant interpretation guidelines (Richards et al. 2015 PMID: 25741868, with internal and published modifications).

NM_000475.5(NR0B1):c.1151C>T (p.Thr384Ile)

Gene: NR0B1 (nuclear receptor subfamily 0 group B member 1; minus strand). Cytogenetic location: Xp21.2.
Variant type: single nucleotide variant.
Coding change: c.1151C>T on transcript NM_000475.5 (MANE Select); coding-DNA position 1151, C replaced by T.
Protein change: p.Thr384Ile; replaces threonine 384 with isoleucine.
Molecular consequence: missense variant.
Genome position (GRCh38, 1-based): chrX:30,308,213, G>A on the plus strand (C>T on the coding strand, the complement: NR0B1 is on the minus strand). VCF-style: chrX-30308213-G-A. GRCh37 (hg19) VCF-style: chrX-30326330-G-A.
Other names: c.1151C>T (NM_000475.4); short protein forms T384I.
Identifiers: ClinVar variation 2950342 (VCV002950342.5), dbSNP rs777385334, ClinGen allele CA10376310.